The following is an entry in ClinVar:

NM_001040142.2(SCN2A):c.1028A>G (p.Asp343Gly)

Gene: SCN2A (sodium voltage-gated channel alpha subunit 2; plus strand). Cytogenetic location: 2q24.3.
Variant type: single nucleotide variant.
Coding change: c.1028A>G on transcript NM_001040142.2 (MANE Select); coding-DNA position 1028, A replaced by G.
Protein change: p.Asp343Gly; replaces aspartic acid 343 with glycine.
Molecular consequence: missense variant.
Genome position (GRCh38, 1-based): chr2:165,312,082, A>G. VCF-style: chr2-165312082-A-G. GRCh37 (hg19) VCF-style: chr2-166168592-A-G.
Other names: c.1028A>G, p.Asp343Gly (NM_001040143.2, NM_001371246.1, NM_001371247.1 and 1 more transcripts); short protein forms D343G.
Identifiers: ClinVar variation 661756 (VCV000661756.11), dbSNP rs1057524164, ClinGen allele CA349019879.
Genomic context (GRCh38, chr2:165,312,082, plus strand): 5'-TAGGTCACTTTTATTTTTTAGAGGGGCAAAATGATGCTCTGCTTTGTGGCAACAGCTCAG[A>G]TGCAGGGTAAGTGATGCTTCCTACTGAGTTTCAGTCCACACTGCTCCATCAGTGTCAATA-3'
Protein context (NP_001035232.1, residues 333-353): NDALLCGNSS[Asp343Gly]AGQCPEGYIC

ClinVar aggregate classification (germline): Pathogenic (1 of 4 stars; one submission).

Conditions:
Developmental and epileptic encephalopathy, 11 (DEE11). Also called: Early infantile epileptic encephalopathy 11. Identifiers: Orphanet 1934, MedGen C3150987, MONDO:0013388, OMIM 613721.
Seizures, benign familial infantile, 3 (BFIS3). Also called: Familial neonatal seizures; CONVULSIONS, BENIGN FAMILIAL INFANTILE, 3. Identifiers: Orphanet 140927, Orphanet 306, MedGen C1843140, MONDO:0011904, OMIM 607745.

Submission:

Labcorp Genetics (formerly Invitae), Labcorp
Classification: Pathogenic for Seizures, benign familial infantile, 3; Developmental and epileptic encephalopathy, 11. Last evaluated: 2024-04-25. Review status: criteria provided, single submitter. Criteria: Invitae Variant Classification Sherloc (09022015). Collection method: clinical testing. Allele origin: germline.
Comment: This sequence change replaces aspartic acid, which is acidic and polar, with glycine, which is neutral and non-polar, at codon 343 of the SCN2A protein (p.Asp343Gly). This variant is not present in population databases (gnomAD no frequency). This missense change has been observed in individual(s) with SCN2A-related conditions (PMID: 28379373, 30928199). In at least one individual the variant was observed to be de novo. ClinVar contains an entry for this variant (Variation ID: 661756). Advanced modeling of protein sequence and biophysical properties (such as structural, functional, and spatial information, amino acid conservation, physicochemical variation, residue mobility, and thermodynamic stability) performed at Invitae indicates that this missense variant is not expected to disrupt SCN2A protein function with a negative predictive value of 95%. For these reasons, this variant has been classified as Pathogenic.

Literature cited by the submitters: PubMed 28379373; PubMed 30928199.